The following is an entry in ClinVar:

ClinVar aggregate classification (germline): Benign. Review status: criteria provided, multiple submitters, no conflicts (2 of 4 stars). 3 submissions from 3 submitters: Benign (2). 1 of the submissions does not count toward it. Last evaluated 2026-02-03.

Conditions:
FBN3-related disorder. Also called: FBN3-related condition.

Allele frequency attached by ClinVar (database versions not stated): ExAC 0.03377; gnomAD 0.03378 and 0.03230; 1000 Genomes Project 0.02216; 1000 Genomes Project 30x 0.02264; gnomAD exomes 0.03320; TOPMed 0.03363; ESP Exome Variant Server 0.03545.
gnomAD v4.1: 69,412 of 1,612,954 alleles (4.3%); highest among the groups gnomAD compares: Non-Finnish European, 5%; 1,779 homozygotes.

Submissions (3):

Labcorp Genetics (formerly Invitae), Labcorp
Classification: Benign. Last evaluated: 2026-02-03. Review status: criteria provided, single submitter. Criteria: Invitae Variant Classification Sherloc (09022015). Collection method: clinical testing. Allele origin: germline.

Breakthrough Genomics
Classification: Benign. Review status: criteria provided, single submitter. Criteria: ACMG Guidelines, 2015. Collection method: not provided. Allele origin: germline. Inheritance: Unknown mechanism. Affected: yes.

PreventionGenetics, part of Exact Sciences
Classification: Benign for FBN3-related condition. Last evaluated: 2019-11-01. Review status: no assertion criteria provided. Collection method: clinical testing. Allele origin: germline. Not counted in ClinVar's aggregate classification.
Comment: This variant is classified as benign based on ACMG/AMP sequence variant interpretation guidelines (Richards et al. 2015 PMID: 25741868, with internal and published modifications).

NM_032447.5(FBN3):c.7412G>A (p.Arg2471His)

Gene: FBN3 (fibrillin 3; minus strand). Cytogenetic location: 19p13.2.
Variant type: single nucleotide variant.
Coding change: c.7412G>A on transcript NM_032447.5 (MANE Select); coding-DNA position 7412, G replaced by A.
Protein change: p.Arg2471His; replaces arginine 2471 with histidine.
Molecular consequence: missense variant.
Genome position (GRCh38, 1-based): chr19:8,081,044, C>T on the plus strand (G>A on the coding strand, the complement: FBN3 is on the minus strand). VCF-style: chr19-8081044-C-T. GRCh37 (hg19) VCF-style: chr19-8145928-C-T.
Other names: c.7412G>A (NM_001321431.1); c.7412G>A, p.Arg2471His (NM_001321431.2); short protein forms R2471H.
Identifiers: ClinVar variation 1610678 (VCV001610678.11), dbSNP rs3848570, ClinGen allele CA9150893.
Genomic context (GRCh38, chr19:8,081,044, plus strand): 5'-AGGGGCAAGGGTCACTCACCGAAGCAGGCCTGGTGGTGCTGGGTGAAGCCGGGCGGACAG[C>T]GGCAGGTGAAGGCGCCCACAGTGTTGACACAGAGGAACTGACAGTTGTGCTGCCGGGAGG-3'
Protein context (NP_115823.3, residues 2461-2481): CVNTVGAFTC[Arg2471His]CPPGFTQHHQ